The following is an entry in ClinVar:

NM_001386140.1(MTTP):c.377A>G (p.His126Arg)

Gene: MTTP (microsomal triglyceride transfer protein; plus strand). Cytogenetic location: 4q23.
Variant type: single nucleotide variant.
Coding change: c.377A>G on transcript NM_001386140.1 (MANE Select); coding-DNA position 377, A replaced by G.
Protein change: p.His126Arg; replaces histidine 126 with arginine.
Molecular consequence: missense variant.
Genome position (GRCh38, 1-based): chr4:99,583,501, A>G. VCF-style: chr4-99583501-A-G. GRCh37 (hg19) VCF-style: chr4-100504658-A-G.
Other names: c.377A>G, p.His126Arg (NM_000253.4); c.128A>G, p.His43Arg (NM_001300785.2); short protein forms H43R, H126R.
Identifiers: ClinVar variation 1479066 (VCV001479066.5), dbSNP rs1725179593, ClinGen allele CA357502455.

ClinVar aggregate classification (germline): Uncertain significance (1 of 4 stars; one submission).

Allele frequency attached by ClinVar (database versions not stated): gnomAD exomes below 0.00001; TOPMed below 0.00001.
gnomAD v4.1: 1 of 1,613,626 alleles (0.000062%); highest among the groups gnomAD compares: Non-Finnish European, 0.000085%; no homozygotes.

Submission:

Labcorp Genetics (formerly Invitae), Labcorp
Classification: Uncertain significance. Last evaluated: 2021-09-01. Review status: criteria provided, single submitter. Criteria: Invitae Variant Classification Sherloc (09022015). Collection method: clinical testing. Allele origin: germline.
Comment: This sequence change replaces histidine with arginine at codon 126 of the MTTP protein (p.His126Arg). The histidine residue is moderately conserved and there is a small physicochemical difference between histidine and arginine. This variant is not present in population databases (ExAC no frequency). This variant has not been reported in the literature in individuals affected with MTTP-related conditions. Algorithms developed to predict the effect of missense changes on protein structure and function (SIFT, PolyPhen-2, Align-GVGD) all suggest that this variant is likely to be tolerated. In summary, the available evidence is currently insufficient to determine the role of this variant in disease. Therefore, it has been classified as a Variant of Uncertain Significance.